The following is an entry in ClinVar:

NM_002618.4(PEX13):c.727A>G (p.Ile243Val)

Gene: PEX13 (peroxisomal biogenesis factor 13; plus strand). Cytogenetic location: 2p15.
Variant type: single nucleotide variant.
Coding change: c.727A>G on transcript NM_002618.4 (MANE Select); coding-DNA position 727, A replaced by G.
Protein change: p.Ile243Val; replaces isoleucine 243 with valine.
Molecular consequence: missense variant.
Genome position (GRCh38, 1-based): chr2:61,032,053, A>G. VCF-style: chr2-61032053-A-G. GRCh37 (hg19) VCF-style: chr2-61259188-A-G.
Other names: short protein forms I243V.
Identifiers: ClinVar variation 2114869 (VCV002114869.3), dbSNP rs1680461189, ClinGen allele CA346944640.

ClinVar aggregate classification (germline): Uncertain significance (1 of 4 stars; one submission).

Conditions:
Peroxisome biogenesis disorder 11A (Zellweger). Also called: Peroxisome biogenesis disorder 11A. Identifiers: Orphanet 912, MedGen C3554000, MONDO:0013949, OMIM 614883.

Allele frequency attached by ClinVar (database versions not stated): TOPMed below 0.00001; gnomAD 0.00001.
gnomAD v4.1: 1 of 1,613,688 alleles (0.000062%); highest among the groups gnomAD compares: Non-Finnish European, 0.000085%; no homozygotes.

Submission:

Labcorp Genetics (formerly Invitae), Labcorp
Classification: Uncertain significance for Peroxisome biogenesis disorder 11A (Zellweger). Last evaluated: 2024-11-11. Review status: criteria provided, single submitter. Criteria: Invitae Variant Classification Sherloc (09022015). Collection method: clinical testing. Allele origin: germline.
Comment: This sequence change replaces isoleucine, which is neutral and non-polar, with valine, which is neutral and non-polar, at codon 243 of the PEX13 protein (p.Ile243Val). This variant is not present in population databases (gnomAD no frequency). This variant has not been reported in the literature in individuals affected with PEX13-related conditions. ClinVar contains an entry for this variant (Variation ID: 2114869). Invitae Evidence Modeling of protein sequence and biophysical properties (such as structural, functional, and spatial information, amino acid conservation, physicochemical variation, residue mobility, and thermodynamic stability) indicates that this missense variant is not expected to disrupt PEX13 protein function with a negative predictive value of 80%. In summary, the available evidence is currently insufficient to determine the role of this variant in disease. Therefore, it has been classified as a Variant of Uncertain Significance.